The following is an entry in ClinVar:

ClinVar aggregate classification (germline): Uncertain significance (1 of 4 stars; one submission).

Submission:

Women's Health and Genetics/Laboratory Corporation of America, LabCorp
Classification: Uncertain significance. Last evaluated: 2024-10-30. Review status: criteria provided, single submitter. Criteria: LabCorp Variant Classification Summary - May 2015. Collection method: clinical testing. Allele origin: germline.
Comment: Variant summary: ABCA4 c.5338C>T (p.Pro1780Ser) results in a non-conservative amino acid change located in the ABC-2 type transporter, transmembrane domain (IPR013525) of the encoded protein sequence. Five of five in-silico tools predict a damaging effect of the variant on protein function. The variant was absent in 251452 control chromosomes (gnomAD). The available data on variant occurrences in the general population are insufficient to allow any conclusion about variant significance. To our knowledge, no occurrence of c.5338C>T in individuals affected with Retinitis Pigmentosa and no experimental evidence demonstrating its impact on protein function have been reported. No submitters have cited clinical-significance assessments for this variant to ClinVar. Based on the evidence outlined above, the variant was classified as uncertain significance.

NM_000350.3(ABCA4):c.5338C>T (p.Pro1780Ser)

Gene: ABCA4 (ATP binding cassette subfamily A member 4; minus strand). Cytogenetic location: 1p22.1.
Variant type: single nucleotide variant.
Coding change: c.5338C>T on transcript NM_000350.3 (MANE Select); coding-DNA position 5338, C replaced by T.
Protein change: p.Pro1780Ser; replaces proline 1780 with serine.
Molecular consequence: missense variant.
Genome position (GRCh38, 1-based): chr1:94,014,665, G>A on the plus strand (C>T on the coding strand, the complement: ABCA4 is on the minus strand). VCF-style: chr1-94014665-G-A. GRCh37 (hg19) VCF-style: chr1-94480221-G-A.
Other names: c.5116C>T, p.Pro1706Ser (NM_001425324.1); short protein forms P1706S, P1780S.
Identifiers: ClinVar variation 3384698 (VCV003384698.1).
Genomic context (GRCh38, chr1:94,014,665, plus strand): 5'-GATTAGCACAAGATAAAGCCACATAGGCTGTGCTGGGGACATCAAACAGGAAGGATGCTG[G>A]GTACATCATGGGAATGACCGCCCATCTGTGTGAAATGAGACAACTCAGAGTGATGGAGTT-3'
Protein context (NP_000341.2, residues 1770-1790): YGWAVIPMMY[Pro1780Ser]ASFLFDVPST